The following is an entry in ClinVar:

NM_031310.3(PLVAP):c.80A>G (p.Tyr27Cys)

Gene: PLVAP (plasmalemma vesicle associated protein; minus strand). Cytogenetic location: 19p13.11.
Variant type: single nucleotide variant.
Coding change: c.80A>G on transcript NM_031310.3 (MANE Select); coding-DNA position 80, A replaced by G.
Protein change: p.Tyr27Cys; replaces tyrosine 27 with cysteine.
Molecular consequence: missense variant.
Genome position (GRCh38, 1-based): chr19:17,377,209, T>C on the plus strand (A>G on the coding strand, the complement: PLVAP is on the minus strand). VCF-style: chr19-17377209-T-C. GRCh37 (hg19) VCF-style: chr19-17488018-T-C.
Other names: short protein forms Y27C.
Identifiers: ClinVar variation 2023846 (VCV002023846.4), dbSNP rs2513238991, ClinGen allele CA404686411.

ClinVar aggregate classification (germline): Uncertain significance (1 of 4 stars; one submission).

Submission:

Labcorp Genetics (formerly Invitae), Labcorp
Classification: Uncertain significance. Last evaluated: 2022-08-12. Review status: criteria provided, single submitter. Criteria: Invitae Variant Classification Sherloc (09022015). Collection method: clinical testing. Allele origin: germline.
Comment: In summary, the available evidence is currently insufficient to determine the role of this variant in disease. Therefore, it has been classified as a Variant of Uncertain Significance. Algorithms developed to predict the effect of missense changes on protein structure and function (SIFT, PolyPhen-2, Align-GVGD) all suggest that this variant is likely to be disruptive. This variant has not been reported in the literature in individuals affected with PLVAP-related conditions. This variant is not present in population databases (gnomAD no frequency). This sequence change replaces tyrosine, which is neutral and polar, with cysteine, which is neutral and slightly polar, at codon 27 of the PLVAP protein (p.Tyr27Cys).